The following is an entry in ClinVar:

ClinVar aggregate classification (germline): Likely benign (1 of 4 stars; one submission).

Submission:

GeneDx
Classification: Likely benign. Last evaluated: 2017-03-07. Review status: criteria provided, single submitter. Criteria: GeneDx Variant Classification (06012015). Collection method: clinical testing. Allele origin: germline. Affected: yes.
Comment: This variant is considered likely benign or benign based on one or more of the following criteria: it is a conservative change, it occurs at a poorly conserved position in the protein, it is predicted to be benign by multiple in silico algorithms, and/or has population frequency not consistent with disease.

NM_003850.3(SUCLA2):c.390T>C (p.Ala130=)

Gene: SUCLA2 (succinate-CoA ligase ADP-forming subunit beta; minus strand). Cytogenetic location: 13q14.2.
Variant type: single nucleotide variant.
Coding change: c.390T>C on transcript NM_003850.3 (MANE Select); coding-DNA position 390, T replaced by C.
Protein change: p.Ala130=; no amino-acid change (alanine 130 retained).
Molecular consequence: synonymous variant.
Genome position (GRCh38, 1-based): chr13:47,988,685, A>G on the plus strand (T>C on the coding strand, the complement: SUCLA2 is on the minus strand). VCF-style: chr13-47988685-A-G. GRCh37 (hg19) VCF-style: chr13-48562820-A-G.
Identifiers: ClinVar variation 507739 (VCV000507739.1), dbSNP rs1555259469, ClinGen allele CA483555575.